The following is an entry in ClinVar:

NM_000135.4(FANCA):c.283+9T>C

Gene: FANCA (FA complementation group A; minus strand). Cytogenetic location: 16q24.3.
Variant type: single nucleotide variant.
Coding change: c.283+9T>C on transcript NM_000135.4 (MANE Select); 9 bases into the intron after coding-DNA position 283, T replaced by C.
Molecular consequence: intron variant.
Genome position (GRCh38, 1-based): chr16:89,814,511, A>G on the plus strand (T>C on the coding strand, the complement: FANCA is on the minus strand). VCF-style: chr16-89814511-A-G. GRCh37 (hg19) VCF-style: chr16-89880919-A-G.
Other names: c.283+9T>C (NM_001286167.3, NM_001351830.2, NM_001018112.3 and 1 more transcripts).
Identifiers: ClinVar variation 1129753 (VCV001129753.13), dbSNP rs779593295, ClinGen allele CA8253098.

ClinVar aggregate classification (germline): Likely benign. Review status: criteria provided, multiple submitters, no conflicts (2 of 4 stars). 3 submissions from 3 submitters: Likely benign (2). 1 of the submissions does not count toward it. Last evaluated 2026-01-24.

Conditions:
FANCA-related disorder. Also called: FANCA-related condition.
Fanconi anemia (FA). Also called: Fanconi's anemia. Identifiers: Orphanet 84, MedGen C0015625, MeSH D005199, MONDO:0019391.

Allele frequency attached by ClinVar (database versions not stated): gnomAD 0.00001; TOPMed 0.00002; ExAC 0.00003; gnomAD exomes 0.00004.
gnomAD v4.1: 30 of 1,586,942 alleles (0.0019%); highest among the groups gnomAD compares: Admixed American, 0.018%; no homozygotes.

Submissions (3):

Labcorp Genetics (formerly Invitae), Labcorp
Classification: Likely benign for Fanconi anemia. Last evaluated: 2026-01-24. Review status: criteria provided, single submitter. Criteria: Invitae Variant Classification Sherloc (09022015). Collection method: clinical testing. Allele origin: germline.

Quest Diagnostics Nichols Institute San Juan Capistrano
Classification: Likely benign. Last evaluated: 2025-06-23. Review status: criteria provided, single submitter. Criteria: Quest Diagnostics criteria. Collection method: clinical testing. Allele origin: unknown.

PreventionGenetics, part of Exact Sciences
Classification: Likely benign for FANCA-related condition. Last evaluated: 2022-09-08. Review status: no assertion criteria provided. Collection method: clinical testing. Allele origin: germline. Not counted in ClinVar's aggregate classification.
Comment: This variant is classified as likely benign based on ACMG/AMP sequence variant interpretation guidelines (Richards et al. 2015 PMID: 25741868, with internal and published modifications).